The following is an entry in ClinVar:

ClinVar aggregate classification (germline): Uncertain significance (1 of 4 stars; one submission).

Allele frequency attached by ClinVar (database versions not stated): TOPMed 0.00003; gnomAD 0.00004; gnomAD exomes 0.00005; ExAC 0.00006.
gnomAD v4.1: 73 of 1,614,014 alleles (0.0045%); highest among the groups gnomAD compares: South Asian, 0.0066%; no homozygotes.

Submission:

Labcorp Genetics (formerly Invitae), Labcorp
Classification: Uncertain significance. Last evaluated: 2023-11-27. Review status: criteria provided, single submitter. Criteria: Invitae Variant Classification Sherloc (09022015). Collection method: clinical testing. Allele origin: germline.
Comment: This sequence change replaces arginine, which is basic and polar, with tryptophan, which is neutral and slightly polar, at codon 627 of the LIG1 protein (p.Arg627Trp). This variant is present in population databases (rs762816837, gnomAD 0.006%). This variant has not been reported in the literature in individuals affected with LIG1-related conditions. ClinVar contains an entry for this variant (Variation ID: 2055592). An algorithm developed to predict the effect of missense changes on protein structure and function (PolyPhen-2) suggests that this variant¬†is likely to be tolerated. In summary, the available evidence is currently insufficient to determine the role of this variant in disease. Therefore, it has been classified as a Variant of Uncertain Significance.

NM_000234.3(LIG1):c.1879C>T (p.Arg627Trp)

Gene: LIG1 (DNA ligase 1; minus strand). Cytogenetic location: 19q13.33.
Variant type: single nucleotide variant.
Coding change: c.1879C>T on transcript NM_000234.3 (MANE Select); coding-DNA position 1879, C replaced by T.
Protein change: p.Arg627Trp; replaces arginine 627 with tryptophan.
Molecular consequence: missense variant. On other transcripts: non-coding transcript variant (6).
Genome position (GRCh38, 1-based): chr19:48,127,963, G>A on the plus strand (C>T on the coding strand, the complement: LIG1 is on the minus strand). VCF-style: chr19-48127963-G-A. GRCh37 (hg19) VCF-style: chr19-48631220-G-A.
Other names: c.1786C>T, p.Arg596Trp (NM_001289063.2); c.1675C>T, p.Arg559Trp (NM_001289064.2); c.1876C>T, p.Arg626Trp (NM_001320970.2); c.1789C>T, p.Arg597Trp (NM_001320971.2); short protein forms R559W, R627W, R597W, R626W, R596W.
Identifiers: ClinVar variation 2055592 (VCV002055592.2), dbSNP rs762816837, ClinGen allele CA9546653.